The following is an entry in ClinVar:

ClinVar aggregate classification (germline): Uncertain significance (1 of 4 stars; one submission).

Submission:

GeneDx
Classification: Uncertain significance. Last evaluated: 2026-04-16. Review status: criteria provided, single submitter. Criteria: GeneDx Variant Classification Process June 2021. Collection method: clinical testing. Allele origin: germline.
Comment: Not observed at significant frequency in large population cohorts (gnomAD); In silico analysis suggests that this missense variant does not alter protein structure/function; Has not been previously published as pathogenic or benign to our knowledge

NM_000173.7(GP1BA):c.1898A>C (p.Gln633Pro)

Genes: GP1BA (glycoprotein Ib platelet subunit alpha; plus strand), LOC130060044 (ATAC-STARR-seq lymphoblastoid active region 11554; plus strand). Cytogenetic location: 17p13.2.
Variant type: single nucleotide variant.
Coding change: c.1898A>C on transcript NM_000173.7 (MANE Select); coding-DNA position 1898, A replaced by C.
Protein change: p.Gln633Pro; replaces glutamine 633 with proline.
Molecular consequence: missense variant.
Genome position (GRCh38, 1-based): chr17:4,934,502, A>C. VCF-style: chr17-4934502-A-C. GRCh37 (hg19) VCF-style: chr17-4837797-A-C.
Other names: short protein forms Q633P.
Identifiers: ClinVar variation 5037307 (VCV005037307.1).
Genomic context (GRCh38, chr17:4,934,502, plus strand): 5'-TACGGCCTAATGGCCGTGTGGGGCCTCTAGTGGCAGGAAGGAGGCCCTCAGCTCTGAGTC[A>C]GGGTCGTGGTCAGGACCTGCTGAGCACAGTGAGCATTAGGTACTCTGGCCACAGCCTCTG-3'
Protein context (NP_000164.5, residues 623-643): VAGRRPSALS[Gln633Pro]GRGQDLLSTV